The following is an entry in ClinVar:

ClinVar aggregate classification (germline): Pathogenic (1 of 4 stars; one submission).

Conditions:
Ataxia-telangiectasia syndrome (AT). Also called: Ataxia telangiectasia (A-T); ATAXIA-TELANGIECTASIA, COMPLEMENTATION GROUP A; ATAXIA-TELANGIECTASIA, FRESNO VARIANT; Ataxia-telangiectasia; Ataxia-telangiectasia, complementation group E; LOUIS-BAR SYNDROME. Identifiers: Orphanet 100, MedGen C0004135, MONDO:0008840, OMIM 208900.

Submission:

Labcorp Genetics (formerly Invitae), Labcorp
Classification: Pathogenic for Ataxia-telangiectasia syndrome. Last evaluated: 2020-01-31. Review status: criteria provided, single submitter. Criteria: Invitae Variant Classification Sherloc (09022015). Collection method: clinical testing. Allele origin: germline.
Comment: This variant is not present in population databases (ExAC no frequency). For these reasons, this variant has been classified as Pathogenic. Loss-of-function variants in ATM are known to be pathogenic (PMID: 23807571, 25614872). This variant has not been reported in the literature in individuals with ATM-related conditions. This sequence change creates a premature translational stop signal (p.Lys2933*) in the ATM gene. It is expected to result in an absent or disrupted protein product.

Literature cited by the submitters: PubMed 23807571; PubMed 25614872.

NM_000051.4(ATM):c.8797A>T (p.Lys2933Ter)

Genes: ATM (ATM serine/threonine kinase; plus strand), C11orf65 (chromosome 11 open reading frame 65; minus strand). Cytogenetic location: 11q22.3.
Variant type: single nucleotide variant.
Coding change: c.8797A>T on transcript NM_000051.4 (MANE Select); coding-DNA position 8797, A replaced by T.
Protein change: p.Lys2933Ter; replaces lysine 2933 with a stop codon.
Molecular consequence: nonsense. On other transcripts: intron variant (2).
Genome position (GRCh38, 1-based): chr11:108,354,821, A>T. VCF-style: chr11-108354821-A-T. GRCh37 (hg19) VCF-style: chr11-108225548-A-T.
Other names: c.8797A>T, p.Lys2933Ter (NM_001351834.2); c.640+31099T>A (NM_001330368.2); c.695-19529T>A (NM_001351110.2); short protein forms K2933*.
Identifiers: ClinVar variation 1071453 (VCV001071453.45), dbSNP rs587779875, ClinGen allele CA382525614.